The following is an entry in ClinVar:

NM_000271.5(NPC1):c.1011del (p.Leu338fs)

Gene: NPC1 (NPC intracellular cholesterol transporter 1; minus strand). Cytogenetic location: 18q11.2.
Variant type: Deletion.
Coding change: c.1011del on transcript NM_000271.5 (MANE Select); coding-DNA position 1011, one base deleted (G; older notation c.1011delG).
Protein change: p.Leu338fs; shifts the reading frame from leucine 338.
Molecular consequence: frameshift variant.
Genome position (GRCh38, 1-based): chr18:23,556,558, C deleted on the plus strand (G on the coding strand, the reverse complement: NPC1 is on the minus strand); the first of 2 consecutive C bases (chr18:23,556,558-23,556,559); deleting either gives the same sequence. VCF-style (leftmost placement, unchanged base first): chr18-23556557-GC-G. GRCh37 (hg19) VCF-style: chr18-21136521-GC-G.
Other names: short protein forms L338fs.
Identifiers: ClinVar variation 5014709 (VCV005014709.1).

ClinVar aggregate classification (germline): Pathogenic (1 of 4 stars; one submission).

Conditions:
Niemann-Pick disease, type C1. Also called: NEUROVISCERAL STORAGE DISEASE WITH VERTICAL SUPRANUCLEAR OPHTHALMOPLEGIA; NIEMANN-PICK DISEASE WITH CHOLESTEROL ESTERIFICATION BLOCK; NIEMANN-PICK DISEASE WITHOUT SPHINGOMYELINASE DEFICIENCY; NIEMANN-PICK DISEASE, CHRONIC NEURONOPATHIC FORM; NIEMANN-PICK DISEASE, VARIANT TYPE C1. Identifiers: Orphanet 646, MedGen C3179455, MONDO:0009757, OMIM 257220.

Submission:

Myriad Genetics, Inc.
Classification: Pathogenic for Niemann-Pick disease, type C1. Last evaluated: 2025-07-12. Review status: criteria provided, single submitter. Criteria: Myriad Autosomal Dominant, Autosomal Recessive and X-Linked Classification Criteria (2023). Collection method: clinical testing. Allele origin: unknown.
Comment: NM_000271.4(NPC1):c.1011delG(L338Cfs*111) is expected to be pathogenic in the context of Niemann-Pick disease type C1. This variant is predicted to lead to an abnormal or absent protein product due to the creation of a premature termination codon in NPC1, a gene where loss-of-function variants are known to be pathogenic. Please note: this variant was assessed in the context of healthy population screening.